The following is an entry in ClinVar:

ClinVar aggregate classification (germline): Conflicting classifications of pathogenicity. Review status: criteria provided, conflicting classifications (1 of 4 stars). 2 submissions from 2 submitters: Uncertain significance (1); Likely benign (1). Last evaluated 2024-09-19.

Allele frequency attached by ClinVar (database versions not stated): ExAC 0.00010; 1000 Genomes Project 30x 0.00016; ESP Exome Variant Server 0.00032; TOPMed 0.00036; gnomAD 0.00041.
gnomAD v4.1: 111 of 1,598,980 alleles (0.0069%); highest among the groups gnomAD compares: African/African-American, 0.13%; no homozygotes.

Submissions (2):

GeneDx
Classification: Uncertain significance. Last evaluated: 2024-09-19. Review status: criteria provided, single submitter. Criteria: GeneDx Variant Classification Process June 2021. Collection method: clinical testing. Allele origin: germline.
Comment: In silico analysis supports that this missense variant does not alter protein structure/function; Has not been previously published as pathogenic or benign to our knowledge

Blueprint Genetics
Classification: Likely benign. Last evaluated: 2022-07-27. Review status: criteria provided, single submitter. Criteria: ACMG Guidelines, 2015. Collection method: clinical testing. Allele origin: germline.

NM_005559.4(LAMA1):c.31C>G (p.Leu11Val)

Gene: LAMA1 (laminin subunit alpha 1; minus strand). Cytogenetic location: 18p11.31.
Variant type: single nucleotide variant.
Coding change: c.31C>G on transcript NM_005559.4 (MANE Select); coding-DNA position 31, C replaced by G.
Protein change: p.Leu11Val; replaces leucine 11 with valine.
Molecular consequence: missense variant.
Genome position (GRCh38, 1-based): chr18:7,117,690, G>C on the plus strand (C>G on the coding strand, the complement: LAMA1 is on the minus strand). VCF-style: chr18-7117690-G-C. GRCh37 (hg19) VCF-style: chr18-7117689-G-C.
Other names: short protein forms L11V.
Identifiers: ClinVar variation 2504954 (VCV002504954.2), dbSNP rs149133081, ClinGen allele CA8883441.